The following is an entry in ClinVar:

ClinVar aggregate classification (germline): Uncertain significance (1 of 4 stars; one submission).

Conditions:
Inborn genetic diseases. Identifiers: MedGen C0950123, MeSH D030342.

gnomAD v4.1: 1 of 1,534,124 alleles (0.000065%); highest among the groups gnomAD compares: Non-Finnish European, 0.000087%; no homozygotes.

Submission:

Ambry Genetics
Classification: Uncertain significance for Inborn genetic diseases. Last evaluated: 2025-07-18. Review status: criteria provided, single submitter. Criteria: Ambry Variant Classification Scheme 2023. Collection method: clinical testing. Allele origin: germline.
Comment: The p.E51D variant (also known as c.153G>C), located in coding exon 1 of the SH2B3 gene, results from a G to C substitution at nucleotide position 153. The glutamic acid at codon 51 is replaced by aspartic acid, an amino acid with highly similar properties. This amino acid position is conserved. In addition, this alteration is predicted to be tolerated by in silico analysis. Based on the available evidence, the clinical significance of this variant remains unclear.

NM_005475.3(SH2B3):c.153G>C (p.Glu51Asp)

Gene: SH2B3 (SH2B adaptor protein 3; plus strand). Cytogenetic location: 12q24.12.
Variant type: single nucleotide variant.
Coding change: c.153G>C on transcript NM_005475.3 (MANE Select); coding-DNA position 153, G replaced by C.
Protein change: p.Glu51Asp; replaces glutamic acid 51 with aspartic acid.
Molecular consequence: missense variant.
Genome position (GRCh38, 1-based): chr12:111,418,298, G>C. VCF-style: chr12-111418298-G-C. GRCh37 (hg19) VCF-style: chr12-111856102-G-C.
Other names: short protein forms E51D.
Identifiers: ClinVar variation 4163952 (VCV004163952.1).